The following is an entry in ClinVar:

ClinVar aggregate classification (germline): Likely pathogenic (1 of 4 stars; one submission).

Submission:

Dasa
Classification: Likely pathogenic. Last evaluated: 2024-09-10. Review status: criteria provided, single submitter. Criteria: DASA Assertion Criteria. Collection method: clinical testing. Allele origin: germline.
Comment: NM_001350162.2(TEX15):c.230dup (p.Ser78Valfs*14) is a frameshift variant in TEX15 predicted to alter the reading frame and introduce a premature termination codon and is predicted to result in an absent or altered protein product. Loss of function is an established disease mechanism for TEX15-associated disorders. Also, this variant is absent from population databases. Based on the currently available evidence, this variant is classified as likely pathogenic.

NM_001350162.2(TEX15):c.230dup (p.Ser78fs)

Gene: TEX15 (testis expressed 15, meiosis and synapsis associated; minus strand). Cytogenetic location: 8p12.
Variant type: Duplication.
Coding change: c.230dup on transcript NM_001350162.2 (MANE Select); coding-DNA position 230, one base duplicated (A; older notation c.230dupA).
Protein change: p.Ser78fs; shifts the reading frame from serine 78.
Molecular consequence: frameshift variant. On other transcripts: non-coding transcript variant (1).
Genome position (GRCh38, 1-based): chr8:30,875,009, T duplicated on the plus strand (A on the coding strand, the reverse complement: TEX15 is on the minus strand). VCF-style (leftmost placement, unchanged base first): chr8-30875008-C-CT. GRCh37 (hg19) VCF-style: chr8-30732524-C-CT.
Other names: short protein forms S78fs.
Identifiers: ClinVar variation 4884275 (VCV004884275.2).